The following is an entry in ClinVar:

NM_001199107.2(TBC1D24):c.1426G>A (p.Ala476Thr)

Gene: TBC1D24 (TBC1 domain family member 24; plus strand). Cytogenetic location: 16p13.3.
Variant type: single nucleotide variant.
Coding change: c.1426G>A on transcript NM_001199107.2 (MANE Select); coding-DNA position 1426, G replaced by A.
Protein change: p.Ala476Thr; replaces alanine 476 with threonine.
Molecular consequence: missense variant.
Genome position (GRCh38, 1-based): chr16:2,500,391, G>A. VCF-style: chr16-2500391-G-A. GRCh37 (hg19) VCF-style: chr16-2550392-G-A.
Other names: c.1408G>A, p.Ala470Thr (NM_020705.3); short protein forms A476T, A470T.
Identifiers: ClinVar variation 662069 (VCV000662069.14), dbSNP rs773304369, ClinGen allele CA7844292.

ClinVar aggregate classification (germline): Uncertain significance. Review status: criteria provided, multiple submitters, no conflicts (2 of 4 stars). 5 submissions from 5 submitters: Uncertain significance (5). Last evaluated 2024-08-12.

Conditions:
DOORS syndrome (DOORS). Also called: DEAFNESS, ONYCHODYSTROPHY, OSTEODYSTROPHY, IMPAIRED INTELLECTUAL DEVELOPMENT, AND SEIZURES SYNDROME; DRC SYNDROME; Digitorenocerebral syndrome; BRACHYDACTYLY DUE TO ABSENCE OF DISTAL PHALANGES; ERONEN SYNDROME; DOOR SYNDROME. Identifiers: Orphanet 3231, Orphanet 79500, MedGen C0795934, MONDO:0009079, OMIM 220500. Disease mechanism: loss of function.
Autosomal recessive nonsyndromic hearing loss 86 (DFNB86). Also called: Deafness , autosomal recessive 86; TBC1D24-Related Autosomal Recessive Nonsyndromic Hearing Loss (DFNB). Identifiers: Orphanet 90636, MedGen C2829265, MONDO:0013826, OMIM 614617.
Developmental and epileptic encephalopathy, 16 (DEE16). Also called: Early infantile epileptic encephalopathy 16; TBC1D24-Related Developmental and Epileptic Encephalopathy (DEE). Identifiers: Orphanet 293181, Orphanet 352596, MedGen C3809173, MONDO:0014133, OMIM 615338.
Rolandic epilepsy-paroxysmal exercise-induced dystonia-writer's cramp syndrome. Also called: RE-PED-WC; TBC1D24-Related Rolandic Epilepsy with Paroxysmal Exercise-Induced Dystonia and Writer's Cramp (EPRPDC). Identifiers: Orphanet 163727, MedGen C1842531, MONDO:0011970, OMIM 608105.
Autosomal dominant nonsyndromic hearing loss 65. Also called: Deafness, autosomal dominant 65; TBC1D24-Related Autosomal Dominant Nonsyndromic Hearing Loss (DFNA). Identifiers: Orphanet 90635, MedGen C3892048, MONDO:0014470, OMIM 616044.
Familial infantile myoclonic epilepsy (FIME). Also called: Epilepsy, Myoclonic, Infantile; TBC1D24-Related Familial Infantile Myoclonic Epilepsy (FIME). Identifiers: Orphanet 352582, MedGen C0917800, MONDO:0011506, OMIM 605021.
Inborn genetic diseases. Identifiers: MedGen C0950123, MeSH D030342.
Developmental and epileptic encephalopathy, 1 (DEE1). Also called: Epileptic encephalopathy, early infantile, 1; X-linked infantile spasms; West's syndrome; Tonic spasms with clustering, arrest of psychomotor development and hypsarrhythmia on EEG; X-Linked Infantile Spasm Syndrome; OHTAHARA SYNDROME, X-LINKED. Identifiers: MedGen C3463992, MONDO:0010632, OMIM 308350. Disease mechanism: loss of function.

Allele frequency attached by ClinVar (database versions not stated): ExAC 0.00001; gnomAD exomes 0.00002 and 0.00001; gnomAD 0.00004; TOPMed 0.00002.
gnomAD v4.1: 32 of 1,604,538 alleles (0.002%); highest among the groups gnomAD compares: African/African-American, 0.0054%; no homozygotes.

Submissions (5):

Labcorp Genetics (formerly Invitae), Labcorp
Classification: Uncertain significance for Developmental and epileptic encephalopathy, 1; Autosomal dominant nonsyndromic hearing loss 65. Last evaluated: 2024-08-12. Review status: criteria provided, single submitter. Criteria: Invitae Variant Classification Sherloc (09022015). Collection method: clinical testing. Allele origin: germline.
Comment: This sequence change replaces alanine, which is neutral and non-polar, with threonine, which is neutral and polar, at codon 476 of the TBC1D24 protein (p.Ala476Thr). The frequency data for this variant in the population databases is considered unreliable, as metrics indicate poor data quality at this position in the gnomAD database. This variant has not been reported in the literature in individuals affected with TBC1D24-related conditions. ClinVar contains an entry for this variant (Variation ID: 662069). Advanced modeling of protein sequence and biophysical properties (such as structural, functional, and spatial information, amino acid conservation, physicochemical variation, residue mobility, and thermodynamic stability) performed at Invitae indicates that this missense variant is not expected to disrupt TBC1D24 protein function with a negative predictive value of 95%. In summary, the available evidence is currently insufficient to determine the role of this variant in disease. Therefore, it has been classified as a Variant of Uncertain Significance.

Ambry Genetics
Classification: Uncertain significance for Inborn genetic diseases. Last evaluated: 2022-11-18. Review status: criteria provided, single submitter. Criteria: Ambry Variant Classification Scheme 2023. Collection method: clinical testing. Allele origin: germline.

Department of Pathology and Laboratory Medicine, Sinai Health System
Classification: Uncertain significance for DOORS syndrome; Familial infantile myoclonic epilepsy; Rolandic epilepsy-paroxysmal exercise-induced dystonia-writer's cramp syndrome; Autosomal recessive nonsyndromic hearing loss 86; Developmental and epileptic encephalopathy, 16; Autosomal dominant nonsyndromic hearing loss 65. Last evaluated: 2022-03-29. Review status: criteria provided, single submitter. Criteria: ACMG Guidelines, 2015. Collection method: research. Allele origin: germline.

New York Genome Center
Classification: Uncertain significance for Developmental and epileptic encephalopathy, 16. Last evaluated: 2020-02-26. Review status: criteria provided, single submitter. Criteria: NYGC Assertion Criteria 2020. Collection method: clinical testing. Allele origin: germline. Observed: 1 heterozygote. Study: CSER-NYCKidSeq.

GeneDx
Classification: Uncertain significance. Last evaluated: 2019-09-03. Review status: criteria provided, single submitter. Criteria: GeneDx Variant Classification Process June 2021. Collection method: clinical testing. Allele origin: germline. Affected: yes.
Comment: Not observed at a significant frequency in large population cohorts (Lek et al., 2016); In silico analysis, which includes protein predictors and evolutionary conservation, supports that this variant does not alter protein structure/function; Has not been previously published as pathogenic or benign to our knowledge